The following is an entry in ClinVar:

NM_001278716.2(FBXL4):c.919T>C (p.Cys307Arg)

Gene: FBXL4 (F-box and leucine rich repeat protein 4; minus strand). Cytogenetic location: 6q16.2.
Variant type: single nucleotide variant.
Coding change: c.919T>C on transcript NM_001278716.2 (MANE Select); coding-DNA position 919, T replaced by C.
Protein change: p.Cys307Arg; replaces cysteine 307 with arginine.
Molecular consequence: missense variant. On other transcripts: non-coding transcript variant (2).
Genome position (GRCh38, 1-based): chr6:98,905,610, A>G on the plus strand (T>C on the coding strand, the complement: FBXL4 is on the minus strand). VCF-style: chr6-98905610-A-G. GRCh37 (hg19) VCF-style: chr6-99353486-A-G.
Other names: c.919T>C, p.Cys307Arg (NM_012160.5); short protein forms C307R.
Identifiers: ClinVar variation 437656 (VCV000437656.1), dbSNP rs757780723, ClinGen allele CA3933583.

ClinVar aggregate classification (germline): Uncertain significance (1 of 4 stars; one submission).

Conditions:
Mitochondrial DNA depletion syndrome 13. Also called: FBXL4-Related Encephalomyopathic Mitochondrial DNA Depletion Syndrome; Mitochondrial DNA depletion syndrome 13 (encephalomyopathic type). Identifiers: Orphanet 369897, MedGen C3809592, MONDO:0014198, OMIM 615471.

Allele frequency attached by ClinVar (database versions not stated): gnomAD exomes below 0.00001; ExAC 0.00001.
gnomAD v4.1: 2 of 1,613,520 alleles (0.00012%); no homozygotes.

Submission:

Wong Mito Lab, Molecular and Human Genetics, Baylor College of Medicine
Classification: Uncertain significance for Mitochondrial DNA depletion syndrome 13. Last evaluated: 2017-08-10. Review status: criteria provided, single submitter. Criteria: ACMG Guidelines, 2015. Collection method: reference population. Allele origin: germline.
Comment: The NM_012160.4:c.919T>C (NP_036292.2:p.Cys307Arg) [GRCH38: NC_000006.12:g.98905610A>G] variant in FBXL4 gene is interpretated to be a Uncertain Significance - Insufficient Evidence based on ACMG guidelines (PMID: 25741868). This variant meets one or more of the following evidence codes reported in the ACMG-guideline. PM2:This variant is absent in key population databases. PP3:Computational evidence/predictors indicate the variant has deleterious effect on FBXL4 structure, function, or protein-protein interaction. Based on this evidence code ClinGen Pathogenicity Calculator (PMID:28081714) suggested that the variant is Uncertain Significance - Insufficient Evidence.